The following is an entry in ClinVar:

NM_000632.4(ITGAM):c.730G>A (p.Gly244Arg)

Genes: ITGAM (integrin subunit alpha M; plus strand), LOC126862332 (BRD4-independent group 4 enhancer GRCh37_chr16:31284654-31285853; plus strand). Cytogenetic location: 16p11.2.
Variant type: single nucleotide variant.
Coding change: c.730G>A on transcript NM_000632.4 (MANE Select); coding-DNA position 730, G replaced by A.
Protein change: p.Gly244Arg; replaces glycine 244 with arginine.
Molecular consequence: missense variant.
Genome position (GRCh38, 1-based): chr16:31,273,390, G>A. VCF-style: chr16-31273390-G-A. GRCh37 (hg19) VCF-style: chr16-31284711-G-A.
Other names: c.730G>A, p.Gly244Arg (NM_001145808.2); c.730G>A (NM_000632.3); short protein forms G244R.
Identifiers: ClinVar variation 1507397 (VCV001507397.7), dbSNP rs748727423, ClinGen allele CA8025326.

ClinVar aggregate classification (germline): Uncertain significance. Review status: criteria provided, multiple submitters, no conflicts (2 of 4 stars). 2 submissions from 2 submitters: Uncertain significance (2). Last evaluated 2025-08-13.

Allele frequency attached by ClinVar (database versions not stated): ExAC 0.00001; gnomAD exomes 0.00001; TOPMed 0.00001.

Submissions (2):

Ambry Genetics
Classification: Uncertain significance. Last evaluated: 2025-08-13. Review status: criteria provided, single submitter. Criteria: Ambry Variant Classification Scheme 2023. Collection method: clinical testing. Allele origin: germline.

Labcorp Genetics (formerly Invitae), Labcorp
Classification: Uncertain significance. Last evaluated: 2022-04-19. Review status: criteria provided, single submitter. Criteria: Invitae Variant Classification Sherloc (09022015). Collection method: clinical testing. Allele origin: germline.
Comment: In summary, the available evidence is currently insufficient to determine the role of this variant in disease. Therefore, it has been classified as a Variant of Uncertain Significance. Algorithms developed to predict the effect of sequence changes on RNA splicing suggest that this variant may create or strengthen a splice site. Algorithms developed to predict the effect of missense changes on protein structure and function (SIFT, PolyPhen-2, Align-GVGD) all suggest that this variant is likely to be disruptive. This variant has not been reported in the literature in individuals affected with ITGAM-related conditions. This variant is present in population databases (rs748727423, gnomAD 0.006%). This sequence change replaces glycine, which is neutral and non-polar, with arginine, which is basic and polar, at codon 244 of the ITGAM protein (p.Gly244Arg).